The following is an entry in ClinVar:

ClinVar aggregate classification (germline): Uncertain significance. Review status: criteria provided, multiple submitters, no conflicts (2 of 4 stars). 2 submissions from 2 submitters: Uncertain significance (2). Last evaluated 2025-04-09.

Allele frequency attached by ClinVar (database versions not stated): gnomAD 0.00001; TOPMed 0.00001; gnomAD exomes 0.00004.
gnomAD v4.1: 63 of 1,613,900 alleles (0.0039%); highest among the groups gnomAD compares: African/African-American, 0.0067%; no homozygotes.

Submissions (2):

Labcorp Genetics (formerly Invitae), Labcorp
Classification: Uncertain significance. Last evaluated: 2025-04-09. Review status: criteria provided, single submitter. Criteria: Invitae Variant Classification Sherloc (09022015). Collection method: clinical testing. Allele origin: germline.
Comment: This sequence change replaces proline, which is neutral and non-polar, with leucine, which is neutral and non-polar, at codon 374 of the SEMA4A protein (p.Pro374Leu). This variant is present in population databases (no rsID available, gnomAD 0.01%). This variant has not been reported in the literature in individuals affected with SEMA4A-related conditions. ClinVar contains an entry for this variant (Variation ID: 1421984). Invitae Evidence Modeling of protein sequence and biophysical properties (such as structural, functional, and spatial information, amino acid conservation, physicochemical variation, residue mobility, and thermodynamic stability) indicates that this missense variant is expected to disrupt SEMA4A protein function with a positive predictive value of 80%. In summary, the available evidence is currently insufficient to determine the role of this variant in disease. Therefore, it has been classified as a Variant of Uncertain Significance.

Blueprint Genetics
Classification: Uncertain significance. Last evaluated: 2024-03-12. Review status: criteria provided, single submitter. Criteria: ACMG Guidelines, 2015. Collection method: clinical testing. Allele origin: germline.

NM_022367.4(SEMA4A):c.1121C>T (p.Pro374Leu)

Gene: SEMA4A (semaphorin 4A; plus strand). Cytogenetic location: 1q22.
Variant type: single nucleotide variant.
Coding change: c.1121C>T on transcript NM_022367.4 (MANE Select); coding-DNA position 1121, C replaced by T.
Protein change: p.Pro374Leu; replaces proline 374 with leucine.
Molecular consequence: missense variant.
Genome position (GRCh38, 1-based): chr1:156,163,081, C>T. VCF-style: chr1-156163081-C-T. GRCh37 (hg19) VCF-style: chr1-156132872-C-T.
Other names: c.1121C>T, p.Pro374Leu (NM_001193300.2, NM_001193301.2, NM_001370567.1); c.725C>T, p.Pro242Leu (NM_001193302.2); c.824C>T, p.Pro275Leu (NM_001370568.1); c.614C>T, p.Pro205Leu (NM_001370569.1, NM_001370571.1); short protein forms P374L, P205L, P242L, P275L.
Identifiers: ClinVar variation 1421984 (VCV001421984.9), dbSNP rs1326663773, ClinGen allele CA342840806.